The following is an entry in ClinVar:

NM_015215.4(CAMTA1):c.2420_2421del (p.Glu807fs)

Gene: CAMTA1 (calmodulin binding transcription activator 1; plus strand). Cytogenetic location: 1p36.23.
Variant type: Microsatellite.
Coding change: c.2420_2421del on transcript NM_015215.4 (MANE Select); coding-DNA positions 2420 to 2421, 2 bases deleted (AG; older notation c.2420_2421delAG).
Protein change: p.Glu807fs; shifts the reading frame from glutamic acid 807.
Molecular consequence: frameshift variant.
Genome position (GRCh38, 1-based): chr1:7,664,967-7,664,968, AG deleted; deleting any 2 consecutive bases within chr1:7,664,965-7,664,968 gives the same sequence; the c. name uses the placement nearest the transcript's 3' end. VCF-style (leftmost placement, unchanged base first): chr1-7664964-CAG-C. GRCh37 (hg19) VCF-style: chr1-7725024-CAG-C.
Other names: c.2330_2331del, p.Glu777fs (NM_001349608.2, NM_001349612.2); c.2420_2421del, p.Glu807fs (NM_001349609.2, NM_001349610.2, NM_001410737.1); c.2348_2349del, p.Glu783fs (NM_001410738.1); short protein forms E777fs, E783fs, E807fs.
Identifiers: ClinVar variation 4880684 (VCV004880684.2).
Genomic context (GRCh38, chr1:7,664,964, plus strand): 5'-GCAGCAGCACCATCTATGGGCACCAGCTGGTGTCGGGGGACAGCACGGCGCTCTCACAGT[CAG>C]AGGACGGGGCGCGGGCCCCCTTCACCCAGGCAGAGATGTGCCTCCCCTGCTGTAGCCCCC-3'

ClinVar aggregate classification (germline): Likely pathogenic (1 of 4 stars; one submission).

Conditions:
Cerebellar dysfunction with variable cognitive and behavioral abnormalities (CECBA). Also called: Nonprogressive cerebellar atxia with intellectual disability. Identifiers: Orphanet 314647, MedGen C3553661, MONDO:0013886, OMIM 614756.

Submission:

Dasa
Classification: Likely pathogenic for Cerebellar dysfunction with variable cognitive and behavioral abnormalities. Last evaluated: 2025-10-09. Review status: criteria provided, single submitter. Criteria: DASA Assertion Criteria. Collection method: clinical testing. Allele origin: germline.
Comment: NM_015215.4(CAMTA1):c.2420_2421del (p.Glu807Glyfs*18) is a frameshift variant in CAMTA1 predicted to alter the reading frame and introduce a premature termination codon and is predicted to result in an absent or altered protein product. Loss of function is an established disease mechanism for CAMTA1 (PMID: 22693284; PMID: 24738973). Also, this variant is absent from population databases. Based on the currently available evidence, this variant is classified as likely pathogenic.

Literature cited by the submitters: PubMed 22693284; PubMed 24738973.